The following is an entry in ClinVar:

ClinVar aggregate classification (germline): Uncertain significance (1 of 4 stars; one submission).

Conditions:
Loeys-Dietz syndrome 2 (LDS2). Also called: TGFBR2-Related Loeys-Dietz Syndrome; Marfan syndrome, type 2 (formerly); AORTIC ANEURYSM, FAMILIAL THORACIC 3; MARFAN SYNDROME, TYPE II; Marfan Syndrome type 2; Marfan like connective tissue disorder. Identifiers: Orphanet 284973, Orphanet 558, MedGen C2674574, MONDO:0012427, OMIM 610168.

Submission:

Labcorp Genetics (formerly Invitae), Labcorp
Classification: Uncertain significance for Loeys-Dietz syndrome 2. Last evaluated: 2024-05-16. Review status: criteria provided, single submitter. Criteria: Invitae Variant Classification Sherloc (09022015). Collection method: clinical testing. Allele origin: germline.
Comment: This sequence change creates a premature translational stop signal (p.Lys148Asnfs*2) in the TMPO gene. It is expected to result in an absent or disrupted protein product. However, the current clinical and genetic evidence is not sufficient to establish whether loss-of-function variants in TMPO cause disease. This variant is not present in population databases (gnomAD no frequency). This variant has not been reported in the literature in individuals affected with TMPO-related conditions. In summary, the available evidence is currently insufficient to determine the role of this variant in disease. Therefore, it has been classified as a Variant of Uncertain Significance.

NM_001032283.3(TMPO):c.444del (p.Lys148fs)

Gene: TMPO (thymopoietin; plus strand). Cytogenetic location: 12q23.1.
Variant type: Deletion.
Coding change: c.444del on transcript NM_001032283.3 (MANE Select); coding-DNA position 444, one base deleted (A; older notation c.444delA).
Protein change: p.Lys148fs; shifts the reading frame from lysine 148.
Molecular consequence: frameshift variant.
Genome position (GRCh38, 1-based): chr12:98,531,717, A deleted; the last of 3 consecutive A bases (chr12:98,531,715-98,531,717); deleting any one gives the same sequence. VCF-style (leftmost placement, unchanged base first): chr12-98531714-GA-G. GRCh37 (hg19) VCF-style: chr12-98925492-GA-G.
Other names: c.444del, p.Lys148fs (NM_001032284.3, NM_001307975.2, NM_003276.2); short protein forms K148fs.
Identifiers: ClinVar variation 3638118 (VCV003638118.2).
Genomic context (GRCh38, chr12:98,531,714, plus strand): 5'-CTAAAGCAAGTTCTGCCTTAATCCAGGAACAACCAGGAAGCTATATGAGAAAAAGCTTTT[GA>G]AACTGAGGGAACAAGGAACAGAATCAAGATCTTCTACTCCTCTGCCAACAATTTCTTCTT-3'